The following is an entry in ClinVar:

ClinVar aggregate classification (germline): Uncertain significance. Review status: criteria provided, multiple submitters, no conflicts (2 of 4 stars). 2 submissions from 2 submitters: Uncertain significance (2). Last evaluated 2024-01-21.

Conditions:
Hereditary cancer-predisposing syndrome. Also called: Neoplastic Syndromes, Hereditary; Tumor predisposition; Hereditary neoplastic syndrome; Hereditary Cancer Syndrome. Identifiers: Orphanet 140162, MedGen C0027672, MeSH D009386, MONDO:0015356.

Submissions (2):

Ambry Genetics
Classification: Uncertain significance for Hereditary cancer-predisposing syndrome. Last evaluated: 2024-01-21. Review status: criteria provided, single submitter. Criteria: Ambry Variant Classification Scheme 2023. Collection method: clinical testing. Allele origin: germline.
Comment: The p.S206L variant (also known as c.617C>T), located in coding exon 3 of the XRCC2 gene, results from a C to T substitution at nucleotide position 617. The serine at codon 206 is replaced by leucine, an amino acid with dissimilar properties. This amino acid position is conserved. In addition, this alteration is predicted to be tolerated by in silico analysis. Based on the available evidence, the clinical significance of this alteration remains unclear.

Labcorp Genetics (formerly Invitae), Labcorp
Classification: Uncertain significance. Last evaluated: 2019-11-23. Review status: criteria provided, single submitter. Criteria: Invitae Variant Classification Sherloc (09022015). Collection method: clinical testing. Allele origin: germline.
Comment: This sequence change replaces serine with leucine at codon 206 of the XRCC2 protein (p.Ser206Leu). The serine residue is weakly conserved and there is a large physicochemical difference between serine and leucine. This variant is not present in population databases (ExAC no frequency). This variant has not been reported in the literature in individuals with XRCC2-related disease. Algorithms developed to predict the effect of missense changes on protein structure and function (SIFT, PolyPhen-2, Align-GVGD) all suggest that this variant is likely to be tolerated, but these predictions have not been confirmed by published functional studies and their clinical significance is uncertain. In summary, the available evidence is currently insufficient to determine the role of this variant in disease. Therefore, it has been classified as a Variant of Uncertain Significance.

NM_005431.2(XRCC2):c.617C>T (p.Ser206Leu)

Gene: XRCC2 (X-ray repair cross complementing 2; minus strand). Cytogenetic location: 7q36.1.
Variant type: single nucleotide variant.
Coding change: c.617C>T on transcript NM_005431.2 (MANE Select); coding-DNA position 617, C replaced by T.
Protein change: p.Ser206Leu; replaces serine 206 with leucine.
Molecular consequence: missense variant.
Genome position (GRCh38, 1-based): chr7:152,648,868, G>A on the plus strand (C>T on the coding strand, the complement: XRCC2 is on the minus strand). VCF-style: chr7-152648868-G-A. GRCh37 (hg19) VCF-style: chr7-152345953-G-A.
Other names: short protein forms S206L.
Identifiers: ClinVar variation 840200 (VCV000840200.10), dbSNP rs2098027244, ClinGen allele CA370198311.